The following is an entry in ClinVar:

ClinVar aggregate classification (germline): Uncertain significance (1 of 4 stars; one submission).

Submission:

Mayo Clinic Laboratories, Mayo Clinic
Classification: Uncertain significance. Last evaluated: 2022-07-08. Review status: criteria provided, single submitter. Criteria: ACMG Guidelines, 2015. Collection method: clinical testing. Allele origin: germline. Observed: 3 variant alleles.
Comment: BP4

NM_001355436.2(SPTB):c.6017G>T (p.Arg2006Leu)

Gene: SPTB (spectrin beta, erythrocytic; minus strand). Cytogenetic location: 14q23.3.
Variant type: single nucleotide variant.
Coding change: c.6017G>T on transcript NM_001355436.2 (MANE Select); coding-DNA position 6017, G replaced by T.
Protein change: p.Arg2006Leu; replaces arginine 2006 with leucine.
Molecular consequence: missense variant.
Genome position (GRCh38, 1-based): chr14:64,769,039, C>A on the plus strand (G>T on the coding strand, the complement: SPTB is on the minus strand). VCF-style: chr14-64769039-C-A. GRCh37 (hg19) VCF-style: chr14-65235757-C-A.
Other names: c.6017G>T, p.Arg2006Leu (NM_001024858.4, NM_001355437.2); short protein forms R2006L.
Identifiers: ClinVar variation 1163368 (VCV001163368.6), dbSNP rs767230972, ClinGen allele CA7229784.